The following is an entry in ClinVar:

NM_032119.4(ADGRV1):c.10054-5T>G

Gene: ADGRV1 (adhesion G protein-coupled receptor V1; plus strand). Cytogenetic location: 5q14.3.
Variant type: single nucleotide variant.
Coding change: c.10054-5T>G on transcript NM_032119.4 (MANE Select); 5 bases into the intron before coding-DNA position 10054, T replaced by G.
Molecular consequence: intron variant.
Genome position (GRCh38, 1-based): chr5:90,725,544, T>G. VCF-style: chr5-90725544-T-G. GRCh37 (hg19) VCF-style: chr5-90021361-T-G.
Identifiers: ClinVar variation 4847327 (VCV004847327.1).

ClinVar aggregate classification (germline): Likely benign (1 of 4 stars; one submission).

gnomAD v4.1: 2 of 1,428,226 alleles (0.00014%); highest among the groups gnomAD compares: African/African-American, 0.0028%; no homozygotes.

Submission:

Women's Health and Genetics/Laboratory Corporation of America, LabCorp
Classification: Likely benign. Last evaluated: 2026-03-11. Review status: criteria provided, single submitter. Criteria: LabCorp Variant Classification Summary - May 2015. Collection method: clinical testing. Allele origin: germline.
Comment: Variant summary: ADGRV1 c.10054-5T>G alters a nucleotide located at a position not widely known to affect splicing. Consensus agreement among computation tools predict no significant impact on normal splicing. However, these predictions have yet to be confirmed by functional studies. The variant allele was found at a frequency of 4e-06 in 248108 control chromosomes. The available data on variant occurrences in the general population are insufficient to allow any conclusion about variant significance. To our knowledge, no occurrence of c.10054-5T>G in individuals affected with ADGRV1-related conditions and no experimental evidence demonstrating its impact on protein function have been reported. No submitters have cited clinical-significance assessments for this variant to ClinVar. Based on the evidence outlined above, the variant was classified as likely benign.